The following is an entry in ClinVar:

NM_001330260.2(SCN8A):c.5284A>C (p.Ile1762Leu)

Gene: SCN8A (sodium voltage-gated channel alpha subunit 8; plus strand). Cytogenetic location: 12q13.13.
Variant type: single nucleotide variant.
Coding change: c.5284A>C on transcript NM_001330260.2 (MANE Select); coding-DNA position 5284, A replaced by C.
Protein change: p.Ile1762Leu; replaces isoleucine 1762 with leucine.
Molecular consequence: missense variant.
Genome position (GRCh38, 1-based): chr12:51,806,770, A>C. VCF-style: chr12-51806770-A-C. GRCh37 (hg19) VCF-style: chr12-52200554-A-C.
Other names: c.5161A>C, p.Ile1721Leu (NM_001177984.3, NM_001369788.1); c.5284A>C, p.Ile1762Leu (NM_014191.4); short protein forms I1721L, I1762L.
Identifiers: ClinVar variation 2499548 (VCV002499548.3), dbSNP rs2138943320, ClinGen allele CA384885184.

ClinVar aggregate classification (germline): Pathogenic/Likely pathogenic. Review status: criteria provided, multiple submitters, no conflicts (2 of 4 stars). 2 submissions from 2 submitters: Pathogenic (1); Likely pathogenic (1). Last evaluated 2023-08-17.

Conditions:
Cognitive impairment with or without cerebellar ataxia (CIAT). Identifiers: MedGen C3280415, MONDO:0013680, OMIM 614306.
Developmental and epileptic encephalopathy, 13 (DEE13). Also called: Developmental and Epileptic Encephalopathy (SCN8A-DEE); Early infantile epileptic encephalopathy 13; SCN8A-Related Epilepsy. Identifiers: Orphanet 442835, MedGen C3281191, MONDO:0013801, OMIM 614558.

Submissions (2):

3billion
Classification: Likely pathogenic for Developmental and epileptic encephalopathy, 13. Last evaluated: 2023-08-17. Review status: criteria provided, single submitter. Criteria: ACMG Guidelines, 2015. Collection method: clinical testing. Allele origin: germline. Affected: yes.
Comment: The variant is not observed in the gnomAD v2.1.1 dataset. Predicted Consequence/Location: The variant is located in a mutational hot spot and/or well-established functional domain in which established pathogenic variants have been reported (PMID: 27270488, 35188110). Missense changes are a common disease-causing mechanism. In silico tool predictions suggest damaging effect of the variant on gene or gene product [REVEL: 0.92 (>=0.6, sensitivity 0.68 and specificity 0.92); 3Cnet: 0.92 (>=0.6, sensitivity 0.72 and precision 0.9)]. Same nucleotide change resulting in same amino acid change has been previously reported to be associated with SCN8A related disorder (ClinVar ID: VCV002499548). Therefore, this variant is classified as Likely pathogenic according to the recommendation of ACMG/AMP guideline.

Duke University Health System Sequencing Clinic, Duke University Health System
Classification: Pathogenic for Cognitive impairment with or without cerebellar ataxia. Last evaluated: 2023-04-20. Review status: criteria provided, single submitter. Criteria: ACMG Guidelines, 2015. Collection method: research. Allele origin: de novo. Affected: yes.

Literature cited by the submitters: PubMed 27270488 (cited by 3billion).